The following is an entry in ClinVar:

ClinVar aggregate classification (germline): Uncertain significance (1 of 4 stars; one submission).

Submission:

Mayo Clinic Laboratories, Mayo Clinic
Classification: Uncertain significance. Last evaluated: 2024-08-22. Review status: criteria provided, single submitter. Criteria: ACMG Guidelines, 2015. Collection method: clinical testing. Allele origin: germline. Observed: 1 variant allele.
Comment: BP4, PM2

NM_018127.7(ELAC2):c.753A>C (p.Arg251Ser)

Gene: ELAC2 (elaC ribonuclease Z 2; minus strand). Cytogenetic location: 17p12.
Variant type: single nucleotide variant.
Coding change: c.753A>C on transcript NM_018127.7 (MANE Select); coding-DNA position 753, A replaced by C.
Protein change: p.Arg251Ser; replaces arginine 251 with serine.
Molecular consequence: missense variant.
Genome position (GRCh38, 1-based): chr17:13,005,965, T>G on the plus strand (A>C on the coding strand, the complement: ELAC2 is on the minus strand). VCF-style: chr17-13005965-T-G. GRCh37 (hg19) VCF-style: chr17-12909282-T-G.
Other names: p.Arg251Ser; c.633A>C, p.Arg211Ser (NM_001165962.2); c.753A>C, p.Arg251Ser (NM_173717.2); short protein forms R211S, R251S.
Identifiers: ClinVar variation 3380468 (VCV003380468.1).